The following is an entry in ClinVar:

ClinVar aggregate classification (germline): Pathogenic (0 of 4 stars; one submission).

Conditions:
Benign familial infantile epilepsy. Also called: Benign familial infantile seizures. Identifiers: Orphanet 306, MedGen C5575231, MONDO:0017615.

Submissions (2):

Neurology Department, Shenzhen Children's Hospital
Classification: Pathogenic for Benign familial infantile epilepsy. Last evaluated: 2022-02-16. Review status: no assertion criteria provided. Collection method: clinical testing. Allele origin: paternal. Affected: yes.

Channelopathy-Associated Epilepsy Research Center
No classification provided (evidence only). Condition: Complex neurodevelopmental disorder. Review status: no classification provided. Collection method: literature only. Allele origin: not applicable. Functional consequence: Mild decrease in peak current, Normal voltage dependence of activation, Increase in slope of activation, Mild depolarizing shift of voltage dependence of fast inactivation, Increase in slope of fast inactivation, Normal rate of recovery from fast inactivation, Slowing of recovery from slow inactivation, Mild slowing of fast inactivation, Normal ramp current, Normal persistent current. Not counted in ClinVar's aggregate classification.
ClinVar note: "not provided" was previously submitted as the classification for the variant. However, the classification appeared to be based only on an observation of functional data so it was converted to no classification on 2025-07-30.

Literature cited by the submitters: PubMed 37578743 (cited by Channelopathy-Associated Epilepsy Research Center).

NM_001040142.2(SCN2A):c.4610T>C (p.Ile1537Thr)

Gene: SCN2A (sodium voltage-gated channel alpha subunit 2; plus strand). Cytogenetic location: 2q24.3.
Variant type: single nucleotide variant.
Coding change: c.4610T>C on transcript NM_001040142.2 (MANE Select); coding-DNA position 4610, T replaced by C.
Protein change: p.Ile1537Thr; replaces isoleucine 1537 with threonine.
Molecular consequence: missense variant.
Genome position (GRCh38, 1-based): chr2:165,386,804, T>C. VCF-style: chr2-165386804-T-C. GRCh37 (hg19) VCF-style: chr2-166243314-T-C.
Other names: c.4610T>C (NM_021007.2); c.4610T>C, p.Ile1537Thr (NM_001040143.2, NM_001371246.1, NM_001371247.1 and 1 more transcripts); short protein forms I1537T.
Identifiers: ClinVar variation 1342696 (VCV001342696.4), dbSNP rs1553463038, ClinGen allele CA349036282.